The following is an entry in ClinVar:

ClinVar aggregate classification (germline): Uncertain significance (1 of 4 stars; one submission).

Allele frequency attached by ClinVar (database versions not stated): gnomAD exomes 0.00001; TOPMed 0.00001.
gnomAD v4.1: 3 of 1,613,856 alleles (0.00019%); highest among the groups gnomAD compares: East Asian, 0.0045%; 1 homozygote.

Submission:

Labcorp Genetics (formerly Invitae), Labcorp
Classification: Uncertain significance. Last evaluated: 2022-08-16. Review status: criteria provided, single submitter. Criteria: Invitae Variant Classification Sherloc (09022015). Collection method: clinical testing. Allele origin: germline.
Comment: This sequence change replaces threonine, which is neutral and polar, with alanine, which is neutral and non-polar, at codon 1129 of the SZT2 protein (p.Thr1129Ala). This variant is not present in population databases (gnomAD no frequency). This variant has not been reported in the literature in individuals affected with SZT2-related conditions. ClinVar contains an entry for this variant (Variation ID: 1517503). Algorithms developed to predict the effect of missense changes on protein structure and function output the following: SIFT: "Tolerated"; PolyPhen-2: "Benign"; Align-GVGD: "Class C0". The alanine amino acid residue is found in multiple mammalian species, which suggests that this missense change does not adversely affect protein function. In summary, the available evidence is currently insufficient to determine the role of this variant in disease. Therefore, it has been classified as a Variant of Uncertain Significance.

NM_001365999.1(SZT2):c.3556A>G (p.Thr1186Ala)

Gene: SZT2 (SZT2 subunit of KICSTOR complex; plus strand). Cytogenetic location: 1p34.2.
Variant type: single nucleotide variant.
Coding change: c.3556A>G on transcript NM_001365999.1 (MANE Select); coding-DNA position 3556, A replaced by G.
Protein change: p.Thr1186Ala; replaces threonine 1186 with alanine.
Molecular consequence: missense variant.
Genome position (GRCh38, 1-based): chr1:43,427,403, A>G. VCF-style: chr1-43427403-A-G. GRCh37 (hg19) VCF-style: chr1-43893074-A-G.
Other names: c.3385A>G, p.Thr1129Ala (NM_015284.4); short protein forms T1129A, T1186A.
Identifiers: ClinVar variation 1517503 (VCV001517503.5), dbSNP rs1176049356, ClinGen allele CA340018238.